The following is an entry in ClinVar:

ClinVar aggregate classification (germline): Pathogenic. Review status: criteria provided, multiple submitters, no conflicts (2 of 4 stars). 3 submissions from 3 submitters: Pathogenic (2). 1 of the submissions does not count toward it. Last evaluated 2019-09-06.

Conditions:
Pulmonary arterial hypertension. Identifiers: Orphanet 182090, MedGen C2973725, MeSH D000081029, MONDO:0015924, HP:0002092.
Idiopathic and/or familial pulmonary arterial hypertension. Identifiers: Orphanet 422, MedGen C5679820, MONDO:0008347.
Primary pulmonary hypertension. Also called: Idiopathic pulmonary hypertension. Identifiers: MedGen C0152171.

Submissions (3):

ARUP Laboratories, Molecular Genetics and Genomics, ARUP Laboratories
Classification: Pathogenic. Last evaluated: 2019-09-06. Review status: criteria provided, single submitter. Criteria: ARUP Molecular Germline Variant Investigation Process. Collection method: clinical testing. Allele origin: germline.
Comment: The BMPR2 c.2216delC; p.Pro739fs variant is reported in the literature in one individual with familial pulmonary arterial hypertension (Zhu 2019). The variant is absent from general population databases (1000 Genomes Project, Exome Variant Server, and Genome Aggregation Database), indicating it is not a common polymorphism. This variant causes a frameshift by deleting a single nucleotide, so it is predicted to result in a truncated protein or mRNA subject to nonsense-mediated decay. Considering available information, this variant is classified as pathogenic. References: Zhu N et al. Novel risk genes and mechanisms implicated by exome sequencing of 2,572 individuals with pulmonary arterial hypertension. bioRxiv 2019; 550327.

Labcorp Genetics (formerly Invitae), Labcorp
Classification: Pathogenic for Primary pulmonary hypertension. Last evaluated: 2018-07-02. Review status: criteria provided, single submitter. Criteria: Invitae Variant Classification Sherloc (09022015). Collection method: clinical testing. Allele origin: germline.
Comment: For these reasons, this variant has been classified as Pathogenic. Loss-of-function variants in BMPR2 are known to be pathogenic (PMID: 16429395). This variant has not been reported in the literature in individuals with BMPR2-related disease. This variant is not present in population databases (ExAC no frequency). This sequence change creates a premature translational stop signal (p.Pro739Leufs*22) in the BMPR2 gene. It is expected to result in an absent or disrupted protein product.

Wendy Chung Laboratory, Boston Children's Hospital
No classification provided. Condition: Idiopathic and/or familial pulmonary arterial hypertension. Review status: no classification provided. Collection method: literature only. Allele origin: germline. Affected: yes. Not counted in ClinVar's aggregate classification.

Literature cited by the submitters: PubMed 16429395 (cited by Labcorp Genetics (formerly Invitae), Labcorp); PubMed 31727138 (cited by Wendy Chung Laboratory, Boston Children's Hospital).

NM_001204.7(BMPR2):c.2216del (p.Pro739fs)

Gene: BMPR2 (bone morphogenetic protein receptor type 2; plus strand). Cytogenetic location: 2q33.2.
Variant type: Deletion.
Coding change: c.2216del on transcript NM_001204.7 (MANE Select); coding-DNA position 2216, one base deleted (C; older notation c.2216delC).
Protein change: p.Pro739fs; shifts the reading frame from proline 739.
Molecular consequence: frameshift variant.
Genome position (GRCh38, 1-based): chr2:202,555,881, C deleted; the last of 2 consecutive C bases (chr2:202,555,880-202,555,881); deleting either gives the same sequence. VCF-style (leftmost placement, unchanged base first): chr2-202555879-GC-G. GRCh37 (hg19) VCF-style: chr2-203420602-GC-G.
Other names: short protein forms P739fs.
Identifiers: ClinVar variation 650617 (VCV000650617.21), dbSNP rs1574506949, ClinGen allele CA915941663.